The following is an entry in ClinVar:

ClinVar aggregate classification (germline): Likely benign. Review status: criteria provided, multiple submitters, no conflicts (2 of 4 stars). 3 submissions from 3 submitters: Likely benign (3). Last evaluated 2025-03-16.

Conditions:
Hereditary cancer-predisposing syndrome. Also called: Neoplastic Syndromes, Hereditary; Hereditary neoplastic syndrome; Hereditary Cancer Syndrome; Tumor predisposition. Identifiers: Orphanet 140162, MedGen C0027672, MeSH D009386, MONDO:0015356.
POLD1-related polyposis and colorectal cancer syndrome (CRCS10). Also called: Colorectal cancer, susceptibility to, 10; Colorectal cancer 10; COLORECTAL CANCER, SUSCEPTIBILITY TO, ON CHROMOSOME 19q. Identifiers: Orphanet 220460, MedGen C2675481, MONDO:0012953, OMIM 612591.

gnomAD v4.1: 2 of 1,570,956 alleles (0.00013%); highest among the groups gnomAD compares: African/African-American, 0.0013%; no homozygotes.

Submissions (3):

Labcorp Genetics (formerly Invitae), Labcorp
Classification: Likely benign for POLD1-related polyposis and colorectal cancer syndrome. Last evaluated: 2025-03-16. Review status: criteria provided, single submitter. Criteria: Invitae Variant Classification Sherloc (09022015). Collection method: clinical testing. Allele origin: germline.

Ambry Genetics
Classification: Likely benign for Hereditary cancer-predisposing syndrome. Last evaluated: 2019-10-16. Review status: criteria provided, single submitter. Criteria: Ambry Variant Classification Scheme 2023. Collection method: clinical testing. Allele origin: germline.

GeneDx
Classification: Likely benign. Last evaluated: 2015-11-25. Review status: criteria provided, single submitter. Criteria: GeneDx Variant Classification (06012015). Collection method: clinical testing. Allele origin: germline. Affected: yes.
Comment: This variant is considered likely benign or benign based on one or more of the following criteria: it is a conservative change, it occurs at a poorly conserved position in the protein, it is predicted to be benign by multiple in silico algorithms, and/or has population frequency not consistent with disease.

NM_002691.4(POLD1):c.2760C>T (p.Asp920=)

Gene: POLD1 (DNA polymerase delta 1, catalytic subunit; plus strand). Cytogenetic location: 19q13.33.
Variant type: single nucleotide variant.
Coding change: c.2760C>T on transcript NM_002691.4 (MANE Select); coding-DNA position 2760, C replaced by T.
Protein change: p.Asp920=; no amino-acid change (aspartic acid 920 retained).
Molecular consequence: synonymous variant.
Genome position (GRCh38, 1-based): chr19:50,415,766, C>T. VCF-style: chr19-50415766-C-T. GRCh37 (hg19) VCF-style: chr19-50919023-C-T.
Other names: c.2760C>T, p.Asp920= (LRG_785t1, NM_001256849.1); c.2838C>T, p.Asp946= (LRG_785t2, NM_001308632.1).
Identifiers: ClinVar variation 381924 (VCV000381924.12), dbSNP rs1057521209, ClinGen allele CA16608283.
Genomic context (GRCh38, chr19:50,415,766, plus strand): 5'-CACCCCATCTCCACGCAGGATGAGGAAGCGGGACCCCGGGAGTGCGCCCAGCCTGGGCGA[C>T]CGCGTCCCCTACGTGATCATCAGTGCCGCCAAGGGTGTGGCCGCCTACATGAAGTCGGAG-3'
Protein context (NP_002682.2, residues 910-930): RDPGSAPSLG[Asp920=]RVPYVIISAA